The following is an entry in ClinVar:

ClinVar aggregate classification (germline): Uncertain significance (1 of 4 stars; one submission).

Conditions:
Charcot-Marie-Tooth disease type 2. Also called: Charcot-Marie-Tooth type 2. Identifiers: Orphanet 64746, MedGen C0270914, MONDO:0018993.

Submission:

Labcorp Genetics (formerly Invitae), Labcorp
Classification: Uncertain significance for Charcot-Marie-Tooth disease type 2. Last evaluated: 2025-03-16. Review status: criteria provided, single submitter. Criteria: Invitae Variant Classification Sherloc (09022015). Collection method: clinical testing. Allele origin: germline.
Comment: This sequence change replaces methionine, which is neutral and non-polar, with isoleucine, which is neutral and non-polar, at codon 438 of the AARS protein (p.Met438Ile). This variant is not present in population databases (gnomAD no frequency). This variant has not been reported in the literature in individuals affected with AARS-related conditions. Invitae Evidence Modeling of protein sequence and biophysical properties (such as structural, functional, and spatial information, amino acid conservation, physicochemical variation, residue mobility, and thermodynamic stability) indicates that this missense variant is not expected to disrupt AARS protein function with a negative predictive value of 95%. In summary, the available evidence is currently insufficient to determine the role of this variant in disease. Therefore, it has been classified as a Variant of Uncertain Significance.

NM_001605.3(AARS1):c.1314G>A (p.Met438Ile)

Gene: AARS1 (alanyl-tRNA synthetase 1; minus strand). Cytogenetic location: 16q22.1.
Variant type: single nucleotide variant.
Coding change: c.1314G>A on transcript NM_001605.3 (MANE Select); coding-DNA position 1314, G replaced by A.
Protein change: p.Met438Ile; replaces methionine 438 with isoleucine.
Molecular consequence: missense variant.
Genome position (GRCh38, 1-based): chr16:70,265,571, C>T on the plus strand (G>A on the coding strand, the complement: AARS1 is on the minus strand). VCF-style: chr16-70265571-C-T. GRCh37 (hg19) VCF-style: chr16-70299474-C-T.
Other names: short protein forms M438I.
Identifiers: ClinVar variation 4746004 (VCV004746004.1).